The following is an entry in ClinVar:

ClinVar aggregate classification (germline): Likely benign (0 of 4 stars; one submission).

Conditions:
CUL9-related disorder. Also called: CUL9-related condition.

Allele frequency attached by ClinVar (database versions not stated): ExAC 0.00002; gnomAD exomes 0.00005; gnomAD 0.00006; TOPMed 0.00006.
gnomAD v4.1: 75 of 1,614,084 alleles (0.0046%); highest among the groups gnomAD compares: Non-Finnish European, 0.006%; no homozygotes.

Submission:

PreventionGenetics, part of Exact Sciences
Classification: Likely benign for CUL9-related condition. Last evaluated: 2019-07-19. Review status: no assertion criteria provided. Collection method: clinical testing. Allele origin: germline.
Comment: This variant is classified as likely benign based on ACMG/AMP sequence variant interpretation guidelines (Richards et al. 2015 PMID: 25741868, with internal and published modifications).

NM_015089.4(CUL9):c.3468C>T (p.Leu1156=)

Gene: CUL9 (cullin 9; plus strand). Cytogenetic location: 6p21.1.
Variant type: single nucleotide variant.
Coding change: c.3468C>T on transcript NM_015089.4 (MANE Select); coding-DNA position 3468, C replaced by T.
Protein change: p.Leu1156=; no amino-acid change (leucine 1156 retained).
Molecular consequence: synonymous variant.
Genome position (GRCh38, 1-based): chr6:43,200,519, C>T. VCF-style: chr6-43200519-C-T. GRCh37 (hg19) VCF-style: chr6-43168257-C-T.
Identifiers: ClinVar variation 3049646 (VCV003049646.2), dbSNP rs760652139, ClinGen allele CA3817846.